The following is an entry in ClinVar:

ClinVar aggregate classification (germline): Uncertain significance. Review status: criteria provided, multiple submitters, no conflicts (2 of 4 stars). 4 submissions from 4 submitters: Uncertain significance (4). Last evaluated 2025-12-08.

Conditions:
Inborn genetic diseases. Identifiers: MedGen C0950123, MeSH D030342.
Perlman syndrome (PRLMNS). Identifiers: Orphanet 2849, MedGen C0796113, MONDO:0009965, OMIM 267000.

Allele frequency attached by ClinVar (database versions not stated): gnomAD exomes 0.00001 and 0.00002; ExAC 0.00003; TOPMed 0.00003; gnomAD 0.00006; 1000 Genomes Project 0.00020; 1000 Genomes Project 30x 0.00031.
gnomAD v4.1: 27 of 1,613,884 alleles (0.0017%); highest among the groups gnomAD compares: African/African-American, 0.016%; no homozygotes.

Submissions (4):

Labcorp Genetics (formerly Invitae), Labcorp
Classification: Uncertain significance for Perlman syndrome. Last evaluated: 2025-12-08. Review status: criteria provided, single submitter. Criteria: Invitae Variant Classification Sherloc (09022015). Collection method: clinical testing. Allele origin: germline.
Comment: This sequence change replaces serine, which is neutral and polar, with leucine, which is neutral and non-polar, at codon 225 of the DIS3L2 protein (p.Ser225Leu). This variant is present in population databases (rs201453807, gnomAD 0.03%). This variant has not been reported in the literature in individuals affected with DIS3L2-related conditions. ClinVar contains an entry for this variant (Variation ID: 334932). An algorithm developed to predict the effect of missense changes on protein structure and function (PolyPhen-2) suggests that this variant is likely to be tolerated. In summary, the available evidence is currently insufficient to determine the role of this variant in disease. Therefore, it has been classified as a Variant of Uncertain Significance.

Ambry Genetics
Classification: Uncertain significance for Inborn genetic diseases. Last evaluated: 2025-11-05. Review status: criteria provided, single submitter. Criteria: Ambry Variant Classification Scheme 2023. Collection method: clinical testing. Allele origin: germline.

Illumina Laboratory Services, Illumina
Classification: Uncertain significance for Perlman syndrome. Last evaluated: 2018-01-12. Review status: criteria provided, single submitter. Criteria: ICSL Variant Classification Criteria 13 December 2019. Collection method: clinical testing. Allele origin: germline.

Breakthrough Genomics
Classification: Uncertain significance. Review status: criteria provided, single submitter. Criteria: ACMG Guidelines, 2015. Collection method: not provided. Allele origin: germline. Inheritance: Autosomal recessive inheritance. Affected: yes.

NM_152383.5(DIS3L2):c.674C>T (p.Ser225Leu)

Gene: DIS3L2 (DIS3 like 3'-5' exoribonuclease 2; plus strand). Cytogenetic location: 2q37.1.
Variant type: single nucleotide variant.
Coding change: c.674C>T on transcript NM_152383.5 (MANE Select); coding-DNA position 674, C replaced by T.
Protein change: p.Ser225Leu; replaces serine 225 with leucine.
Molecular consequence: missense variant. On other transcripts: non-coding transcript variant (2).
Genome position (GRCh38, 1-based): chr2:232,130,691, C>T. VCF-style: chr2-232130691-C-T. GRCh37 (hg19) VCF-style: chr2-232995401-C-T.
Other names: c.674C>T, p.Ser225Leu (NM_001257281.2, NM_001257282.2); short protein forms S225L.
Identifiers: ClinVar variation 334932 (VCV000334932.15), dbSNP rs201453807, ClinGen allele CA2163895.